The following is an entry in ClinVar:

NM_007327.4(GRIN1):c.1468-219_1468-204del

Gene: GRIN1 (glutamate ionotropic receptor NMDA type subunit 1; plus strand). Cytogenetic location: 9q34.3.
Variant type: Deletion.
Coding change: c.1468-219_1468-204del on transcript NM_007327.4 (MANE Select); 219 bases into the intron before coding-DNA position 1468 through 204 bases into the intron before coding-DNA position 1468, 16 bases deleted (ACGTGGAGTGGGCGGG).
Molecular consequence: intron variant.
Genome position (GRCh38, 1-based): chr9:137,161,705-137,161,720, ACGTGGAGTGGGCGGG deleted; deleting any 16 consecutive bases within chr9:137,161,692-137,161,720 gives the same sequence; the c. name uses the placement nearest the transcript's 3' end. VCF-style (leftmost placement, unchanged base first): chr9-137161691-CTGGAGTGGGCGGGACG-C. GRCh37 (hg19) VCF-style: chr9-140056143-CTGGAGTGGGCGGGACG-C.
Other names: c.1531-219_1531-204del (NM_001185090.2, NM_001185091.2); c.1468-219_1468-204del (NM_021569.4, NM_000832.7).
Identifiers: ClinVar variation 681640 (VCV000681640.1), dbSNP rs36070681, ClinGen allele CA201686822.

ClinVar aggregate classification (germline): Benign (1 of 4 stars; one submission).

Submission:

GeneDx
Classification: Benign. Last evaluated: 2018-06-19. Review status: criteria provided, single submitter. Criteria: GeneDx Variant Classification (06012015). Collection method: clinical testing. Allele origin: germline. Affected: yes.
Comment: This variant is considered likely benign or benign based on one or more of the following criteria: it is a conservative change, it occurs at a poorly conserved position in the protein, it is predicted to be benign by multiple in silico algorithms, and/or has population frequency not consistent with disease.